The following is an entry in ClinVar:

NM_031220.4(PITPNM3):c.2762A>G (p.Asn921Ser)

Gene: PITPNM3 (PITPNM family member 3; minus strand). Cytogenetic location: 17p13.2.
Variant type: single nucleotide variant.
Coding change: c.2762A>G on transcript NM_031220.4 (MANE Select); coding-DNA position 2762, A replaced by G.
Protein change: p.Asn921Ser; replaces asparagine 921 with serine.
Molecular consequence: missense variant.
Genome position (GRCh38, 1-based): chr17:6,455,501, T>C on the plus strand (A>G on the coding strand, the complement: PITPNM3 is on the minus strand). VCF-style: chr17-6455501-T-C. GRCh37 (hg19) VCF-style: chr17-6358821-T-C.
Other names: c.2654A>G, p.Asn885Ser (NM_001165966.2); short protein forms N885S, N921S.
Identifiers: ClinVar variation 1002620 (VCV001002620.9), dbSNP rs757218655, ClinGen allele CA8329024.

ClinVar aggregate classification (germline): Uncertain significance. Review status: criteria provided, multiple submitters, no conflicts (2 of 4 stars). 2 submissions from 2 submitters: Uncertain significance (2). Last evaluated 2023-06-03.

Allele frequency attached by ClinVar (database versions not stated): TOPMed below 0.00001; gnomAD exomes 0.00002; ExAC 0.00003.

Submissions (2):

Labcorp Genetics (formerly Invitae), Labcorp
Classification: Uncertain significance. Last evaluated: 2023-06-03. Review status: criteria provided, single submitter. Criteria: Invitae Variant Classification Sherloc (09022015). Collection method: clinical testing. Allele origin: germline.
Comment: This sequence change replaces asparagine, which is neutral and polar, with serine, which is neutral and polar, at codon 921 of the PITPNM3 protein (p.Asn921Ser). This variant is present in population databases (rs757218655, gnomAD 0.004%). This variant has not been reported in the literature in individuals affected with PITPNM3-related conditions. ClinVar contains an entry for this variant (Variation ID: 1002620). Advanced modeling of protein sequence and biophysical properties (such as structural, functional, and spatial information, amino acid conservation, physicochemical variation, residue mobility, and thermodynamic stability) performed at Invitae indicates that this missense variant is not expected to disrupt PITPNM3 protein function. In summary, the available evidence is currently insufficient to determine the role of this variant in disease. Therefore, it has been classified as a Variant of Uncertain Significance.

Blueprint Genetics
Classification: Uncertain significance. Last evaluated: 2022-08-15. Review status: criteria provided, single submitter. Criteria: ACMG Guidelines, 2015. Collection method: clinical testing. Allele origin: germline.